The following is an entry in ClinVar:

ClinVar aggregate classification (germline): Pathogenic. Review status: criteria provided, multiple submitters, no conflicts (2 of 4 stars). 3 submissions from 3 submitters: Pathogenic (2). 1 of the submissions does not count toward it. Last evaluated 2024-04-02.

Conditions:
ABCA4-related disorder. Also called: ABCA4-related condition; ABCA4-related disorders. Identifiers: MedGen CN239167.

Allele frequency attached by ClinVar (database versions not stated): gnomAD exomes below 0.00001.
gnomAD v4.1: 8 of 1,614,144 alleles (0.0005%); highest among the groups gnomAD compares: East Asian, 0.0045%; no homozygotes.

Submissions (3):

Blueprint Genetics
Classification: Pathogenic for ABCA4-related disorders. Last evaluated: 2024-04-02. Review status: criteria provided, single submitter. Criteria: ACMG Guidelines, 2015. Collection method: clinical testing. Allele origin: germline. Affected: yes. Observed: 4 variant alleles.

Labcorp Genetics (formerly Invitae), Labcorp
Classification: Pathogenic. Last evaluated: 2022-08-09. Review status: criteria provided, single submitter. Criteria: Invitae Variant Classification Sherloc (09022015). Collection method: clinical testing. Allele origin: germline.
Comment: This sequence change replaces isoleucine, which is neutral and non-polar, with threonine, which is neutral and polar, at codon 1133 of the ABCA4 protein (p.Ile1133Thr). This variant is present in population databases (no rsID available, gnomAD 0.003%). This missense change has been observed in individual(s) with ABCA4-related retinal disease and/or Stargardt disease (PMID: 23982839, 29975949, 33691693). ClinVar contains an entry for this variant (Variation ID: 865806). Advanced modeling of protein sequence and biophysical properties (such as structural, functional, and spatial information, amino acid conservation, physicochemical variation, residue mobility, and thermodynamic stability) performed at Invitae indicates that this missense variant is expected to disrupt ABCA4 protein function. For these reasons, this variant has been classified as Pathogenic.

PreventionGenetics, part of Exact Sciences
Classification: Likely pathogenic for ABCA4-related condition. Last evaluated: 2024-08-23. Review status: no assertion criteria provided. Collection method: clinical testing. Allele origin: germline. Not counted in ClinVar's aggregate classification.
Comment: The ABCA4 c.3398T>C variant is predicted to result in the amino acid substitution p.Ile1133Thr. This variant has been reported in the compound heterozygous state in multiple individuals with Stargardt disease (see for example, Fujinami et al. 2013. PubMed ID: 23982839; Sung et al. 2018. PubMed ID: 29975949; Table S1, Ma et al. 2021. PubMed ID: 33691693). This variant is reported in 0.0033% of alleles in individuals of South Asian descent in gnomAD. This variant is interpreted as likely pathogenic.

Literature cited by the submitters: PubMed 23982839 (cited by Labcorp Genetics (formerly Invitae), Labcorp); PubMed 29975949 (cited by Labcorp Genetics (formerly Invitae), Labcorp); PubMed 33691693 (cited by Labcorp Genetics (formerly Invitae), Labcorp).

NM_000350.3(ABCA4):c.3398T>C (p.Ile1133Thr)

Gene: ABCA4 (ATP binding cassette subfamily A member 4; minus strand). Cytogenetic location: 1p22.1.
Variant type: single nucleotide variant.
Coding change: c.3398T>C on transcript NM_000350.3 (MANE Select); coding-DNA position 3398, T replaced by C.
Protein change: p.Ile1133Thr; replaces isoleucine 1133 with threonine.
Molecular consequence: missense variant.
Genome position (GRCh38, 1-based): chr1:94,041,333, A>G on the plus strand (T>C on the coding strand, the complement: ABCA4 is on the minus strand). VCF-style: chr1-94041333-A-G. GRCh37 (hg19) VCF-style: chr1-94506889-A-G.
Other names: c.3176T>C, p.Ile1059Thr (NM_001425324.1); short protein forms I1133T, I1059T.
Identifiers: ClinVar variation 865806 (VCV000865806.8), dbSNP rs1432207212, ClinGen allele CA341291026.